The following is an entry in ClinVar:

ClinVar aggregate classification (germline): Uncertain significance. Review status: criteria provided, single submitter (1 of 4 stars). 2 submissions from 2 submitters: Uncertain significance (1). 1 of the submissions does not count toward it. Last evaluated 2021-09-01.

Conditions:
Microphthalmia. Also called: Microphthalmos. Identifiers: MedGen C0026010, MONDO:0021129, HP:0000568.
Isolated microphthalmia 2. Identifiers: Orphanet 2542, MedGen C1864720, MONDO:0012409, OMIM 610093.

Allele frequency attached by ClinVar (database versions not stated): gnomAD exomes 0.00003 and 0.00012; ExAC 0.00018; gnomAD 0.00024 and 0.00027; TOPMed 0.00039; ESP Exome Variant Server 0.00077.

Submissions (2):

Labcorp Genetics (formerly Invitae), Labcorp
Classification: Uncertain significance for Isolated microphthalmia 2. Last evaluated: 2021-09-01. Review status: criteria provided, single submitter. Criteria: Invitae Variant Classification Sherloc (09022015). Collection method: clinical testing. Allele origin: germline.
Comment: This sequence change replaces methionine with threonine at codon 180 of the VSX2 protein (p.Met180Thr). The methionine residue is highly conserved and there is a moderate physicochemical difference between methionine and threonine. This variant is present in population databases (rs147167593, ExAC 0.2%). This variant has not been reported in the literature in individuals affected with VSX2-related conditions. Algorithms developed to predict the effect of missense changes on protein structure and function are either unavailable or do not agree on the potential impact of this missense change (SIFT: "Deleterious"; PolyPhen-2: "Benign"; Align-GVGD: "Class C65"). In summary, the available evidence is currently insufficient to determine the role of this variant in disease. Therefore, it has been classified as a Variant of Uncertain Significance.

Natera, Inc.
Classification: Uncertain significance for Microphthalmia. Last evaluated: 2019-10-29. Review status: no assertion criteria provided. Collection method: clinical testing. Allele origin: germline. Not counted in ClinVar's aggregate classification.

NM_182894.3(VSX2):c.539T>C (p.Met180Thr)

Gene: VSX2 (visual system homeobox 2; plus strand). Cytogenetic location: 14q24.3.
Variant type: single nucleotide variant.
Coding change: c.539T>C on transcript NM_182894.3 (MANE Select); coding-DNA position 539, T replaced by C.
Protein change: p.Met180Thr; replaces methionine 180 with threonine.
Molecular consequence: missense variant.
Genome position (GRCh38, 1-based): chr14:74,245,248, T>C. VCF-style: chr14-74245248-T-C. GRCh37 (hg19) VCF-style: chr14-74711951-T-C.
Other names: short protein forms M180T.
Identifiers: ClinVar variation 967386 (VCV000967386.4), dbSNP rs147167593, ClinGen allele CA7266353.